The following is an entry in ClinVar:

NM_001458.5(FLNC):c.6022A>G (p.Lys2008Glu)

Genes: FLNC-AS1 (FLNC antisense RNA 1; minus strand), FLNC (filamin C; plus strand). Cytogenetic location: 7q32.1.
Variant type: single nucleotide variant.
Coding change: c.6022A>G on transcript NM_001458.5 (MANE Select); coding-DNA position 6022, A replaced by G.
Protein change: p.Lys2008Glu; replaces lysine 2008 with glutamic acid.
Molecular consequence: missense variant.
Genome position (GRCh38, 1-based): chr7:128,852,845, A>G. VCF-style: chr7-128852845-A-G. GRCh37 (hg19) VCF-style: chr7-128492899-A-G.
Other names: c.5923A>G, p.Lys1975Glu (NM_001127487.2); short protein forms K2008E, K1975E.
Identifiers: ClinVar variation 652793 (VCV000652793.5), dbSNP rs772621794, ClinGen allele CA4475871.
Genomic context (GRCh38, chr7:128,852,845, plus strand): 5'-TGGGGGCCCACAGGATGCTCTGCCTAACACCCACTTTCCACAGGGATCTCCTTCACCCCC[A>G]AGGAGGTCGGGGAGCACGTGGTGAGCGTGCGCAAGAGTGGCAAGCATGTCACCAACAGCC-3'
Protein context (NP_001449.3, residues 1998-2018): NRHIGISFTP[Lys2008Glu]EVGEHVVSVR

ClinVar aggregate classification (germline): Uncertain significance (1 of 4 stars; one submission).

Conditions:
Hypertrophic cardiomyopathy 26. Also called: Cardiomyopathy, familial hypertrophic, 26. Identifiers: Orphanet 75249, MedGen C4310749, MONDO:0014883, OMIM 617047.
Myofibrillar myopathy 5. Also called: FILAMINOPATHY, AUTOSOMAL DOMINANT; Filaminopathy (type). Identifiers: Orphanet 171445, MedGen C1836050, MONDO:0012289, OMIM 609524.
Distal myopathy with posterior leg and anterior hand involvement. Also called: WILLIAMS DISTAL MYOPATHY. Identifiers: Orphanet 63273, MedGen C3279722, MONDO:0013550, OMIM 614065.

Allele frequency attached by ClinVar (database versions not stated): gnomAD exomes below 0.00001; gnomAD 0.00001; ExAC 0.00002; TOPMed 0.00002.
gnomAD v4.1: 3 of 1,613,702 alleles (0.00019%); highest among the groups gnomAD compares: Admixed American, 0.0017%; no homozygotes.

Submission:

Labcorp Genetics (formerly Invitae), Labcorp
Classification: Uncertain significance for Distal myopathy with posterior leg and anterior hand involvement; Myofibrillar myopathy 5; Hypertrophic cardiomyopathy 26. Last evaluated: 2024-10-05. Review status: criteria provided, single submitter. Criteria: Invitae Variant Classification Sherloc (09022015). Collection method: clinical testing. Allele origin: germline.
Comment: This sequence change replaces lysine, which is basic and polar, with glutamic acid, which is acidic and polar, at codon 2008 of the FLNC protein (p.Lys2008Glu). This variant is present in population databases (rs772621794, gnomAD 0.002%). This variant has not been reported in the literature in individuals affected with FLNC-related conditions. ClinVar contains an entry for this variant (Variation ID: 652793). Invitae Evidence Modeling of protein sequence and biophysical properties (such as structural, functional, and spatial information, amino acid conservation, physicochemical variation, residue mobility, and thermodynamic stability) has been performed for this missense variant. However, the output from this modeling did not meet the statistical confidence thresholds required to predict the impact of this variant on FLNC protein function. In summary, the available evidence is currently insufficient to determine the role of this variant in disease. Therefore, it has been classified as a Variant of Uncertain Significance.